The following is an entry in ClinVar:

ClinVar aggregate classification (germline): Pathogenic (1 of 4 stars; one submission).

Submission:

Labcorp Genetics (formerly Invitae), Labcorp
Classification: Pathogenic. Last evaluated: 2020-03-12. Review status: criteria provided, single submitter. Criteria: Invitae Variant Classification Sherloc (09022015). Collection method: clinical testing. Allele origin: germline.
Comment: This sequence change creates a premature translational stop signal (p.His1013Leufs*21) in the SETD5 gene. It is expected to result in an absent or disrupted protein product. This variant is not present in population databases (ExAC no frequency). This variant has not been reported in the literature in individuals with SETD5-related conditions. Loss-of-function variants in SETD5 are known to be pathogenic (PMID: 24680889). For these reasons, this variant has been classified as Pathogenic.

Literature cited by the submitters: PubMed 24680889.

NM_001080517.3(SETD5):c.3038del (p.His1013fs)

Gene: SETD5 (SET domain containing 5; plus strand). Cytogenetic location: 3p25.3.
Variant type: Deletion.
Coding change: c.3038del on transcript NM_001080517.3 (MANE Select); coding-DNA position 3038, one base deleted (A; older notation c.3038delA).
Protein change: p.His1013fs; shifts the reading frame from histidine 1013.
Molecular consequence: frameshift variant.
Genome position (GRCh38, 1-based): chr3:9,470,772, A deleted. VCF-style (leftmost placement, unchanged base first): chr3-9470771-CA-C. GRCh37 (hg19) VCF-style: chr3-9512455-CA-C.
Other names: c.2744del, p.His915fs (NM_001292043.2, NM_001349451.2); short protein forms H1013fs, H915fs.
Identifiers: ClinVar variation 1075967 (VCV001075967.5), dbSNP rs2125579512, ClinGen allele CA2499216997.